The following is an entry in ClinVar:

NM_002968.3(SALL1):c.1664T>A (p.Val555Asp)

Gene: SALL1 (spalt like transcription factor 1; minus strand). Cytogenetic location: 16q12.1.
Variant type: single nucleotide variant.
Coding change: c.1664T>A on transcript NM_002968.3 (MANE Select); coding-DNA position 1664, T replaced by A.
Protein change: p.Val555Asp; replaces valine 555 with aspartic acid.
Molecular consequence: missense variant.
Genome position (GRCh38, 1-based): chr16:51,140,558, A>T on the plus strand (T>A on the coding strand, the complement: SALL1 is on the minus strand). VCF-style: chr16-51140558-A-T. GRCh37 (hg19) VCF-style: chr16-51174469-A-T.
Other names: c.1373T>A, p.Val458Asp (NM_001127892.2); short protein forms V555D, V458D.
Identifiers: ClinVar variation 3709862 (VCV003709862.2).

ClinVar aggregate classification (germline): Uncertain significance (1 of 4 stars; one submission).

Conditions:
Townes syndrome (TBS). Also called: Townes-Brocks syndrome. Identifiers: Orphanet 857, MedGen C0265246, MeSH C536974, MONDO:0007142.

Submission:

Labcorp Genetics (formerly Invitae), Labcorp
Classification: Uncertain significance for Townes syndrome. Last evaluated: 2024-10-13. Review status: criteria provided, single submitter. Criteria: Invitae Variant Classification Sherloc (09022015). Collection method: clinical testing. Allele origin: germline.
Comment: This sequence change replaces valine, which is neutral and non-polar, with aspartic acid, which is acidic and polar, at codon 555 of the SALL1 protein (p.Val555Asp). This variant is not present in population databases (gnomAD no frequency). This variant has not been reported in the literature in individuals affected with SALL1-related conditions. Invitae Evidence Modeling of protein sequence and biophysical properties (such as structural, functional, and spatial information, amino acid conservation, physicochemical variation, residue mobility, and thermodynamic stability) indicates that this missense variant is not expected to disrupt SALL1 protein function with a negative predictive value of 80%. In summary, the available evidence is currently insufficient to determine the role of this variant in disease. Therefore, it has been classified as a Variant of Uncertain Significance.